The following is an entry in ClinVar:

NC_000015.9:g.(?_34526082)_(34628881_?)del

Gene: SLC12A6 (solute carrier family 12 member 6; minus strand). Cytogenetic location: 15q14.
Variant type: Deletion.
Identifiers: ClinVar variation 3243907 (VCV003243907.1).

ClinVar aggregate classification (germline): Pathogenic (1 of 4 stars; one submission).

Submission:

Labcorp Genetics (formerly Invitae), Labcorp
Classification: Pathogenic. Last evaluated: 2024-01-24. Review status: criteria provided, single submitter. Criteria: Invitae Variant Classification Sherloc (09022015). Collection method: clinical testing. Allele origin: unknown.
Comment: A gross deletion of the genomic region encompassing the full coding sequence of the SLC12A6 gene has been identified. Loss-of-function variants in SLC12A6 are known to be pathogenic (PMID: 12368912, 16606917). The boundaries of this event are unknown as they extend beyond the assayed region for this gene and therefore may encompass additional genes. A similar copy number variant has been observed in individual(s) with autosomal recessive SLC12A6-related conditions (PMID: 26392352). For these reasons, this variant has been classified as Pathogenic.

Literature cited by the submitters: PubMed 12368912; PubMed 16606917; PubMed 26392352.